The following is an entry in ClinVar:

NM_000179.3(MSH6):c.2315G>T (p.Arg772Leu)

Gene: MSH6 (mutS homolog 6; plus strand). Cytogenetic location: 2p16.3.
Variant type: single nucleotide variant.
Coding change: c.2315G>T on transcript NM_000179.3 (MANE Select); coding-DNA position 2315, G replaced by T.
Protein change: p.Arg772Leu; replaces arginine 772 with leucine.
Molecular consequence: missense variant. On other transcripts: non-coding transcript variant (5), intron variant (3).
Genome position (GRCh38, 1-based): chr2:47,800,298, G>T. VCF-style: chr2-47800298-G-T. GRCh37 (hg19) VCF-style: chr2-48027437-G-T.
Other names: c.1925G>T, p.Arg642Leu (NM_001281492.2); c.1409G>T, p.Arg470Leu (NM_001281493.2, NM_001281494.2, NM_001406811.1 and 6 more transcripts); c.2411G>T, p.Arg804Leu (NM_001406795.1, NM_001406802.1); c.2315G>T, p.Arg772Leu (NM_001406796.1, NM_001406798.1, NM_001406800.1 and 2 more transcripts); c.2018G>T, p.Arg673Leu (NM_001406797.1, NM_001406801.1, NM_001406805.1 and 10 more transcripts); c.1790G>T, p.Arg597Leu (NM_001406799.1, NM_001406806.1, NM_001406807.1); c.2237G>T, p.Arg746Leu (NM_001406804.1); c.2321G>T, p.Arg774Leu (NM_001406813.1); and 4 more; short protein forms R470L, R597L, R642L, R746L, R772L, R774L, R673L, R716L.
Identifiers: ClinVar variation 4694824 (VCV004694824.1).
Genomic context (GRCh38, chr2:47,800,298, plus strand): 5'-GTTCTACTGAAGGAACCCTACTAGAGAGGGTTGATACTTGCCATACTCCTTTTGGTAAGC[G>T]GCTCCTAAAGCAATGGCTTTGTGCCCCACTCTGTAACCATTATGCTATTAATGATCGTCT-3'
Protein context (NP_000170.1, residues 762-782): VDTCHTPFGK[Arg772Leu]LLKQWLCAPL

ClinVar aggregate classification (germline): Likely pathogenic (1 of 4 stars; one submission).

Conditions:
Hereditary nonpolyposis colorectal neoplasms. Identifiers: MedGen C0009405, MeSH D003123.

Submission:

Labcorp Genetics (formerly Invitae), Labcorp
Classification: Likely pathogenic for Hereditary nonpolyposis colorectal neoplasms. Last evaluated: 2025-04-21. Review status: criteria provided, single submitter. Criteria: Invitae Variant Classification Sherloc (09022015). Collection method: clinical testing. Allele origin: germline.
Comment: This sequence change replaces arginine, which is basic and polar, with leucine, which is neutral and non-polar, at codon 772 of the MSH6 protein (p.Arg772Leu). This variant is not present in population databases (gnomAD no frequency). This variant has not been reported in the literature in individuals affected with MSH6-related conditions. Invitae Evidence Modeling of protein sequence and biophysical properties (such as structural, functional, and spatial information, amino acid conservation, physicochemical variation, residue mobility, and thermodynamic stability) indicates that this missense variant is expected to disrupt MSH6 protein function with a positive predictive value of 95%. This variant disrupts the p.Arg772Trp amino acid residue in MSH6. Other variant(s) that disrupt this residue have been determined to be pathogenic (PMID: 14974087, 18176851, 24323032, 25307252, 28449805, 28514183; internal data). This suggests that this residue is clinically significant, and that variants that disrupt this residue are likely to be disease-causing. In summary, the currently available evidence indicates that the variant is pathogenic, but additional data are needed to prove that conclusively. Therefore, this variant has been classified as Likely Pathogenic.

Literature cited by the submitters: PubMed 14974087; PubMed 18176851; PubMed 24323032; PubMed 25307252; PubMed 28449805; PubMed 28514183.